The following is an entry in ClinVar:

NM_005422.4(TECTA):c.2528A>G (p.Asn843Ser)

Genes: TBCEL-TECTA (TBCEL-TECTA readthrough; plus strand), TECTA (tectorin alpha; plus strand), LOC126861365 (P300/CBP strongly-dependent group 1 enhancer GRCh37_chr11:121000154-121001353; plus strand). Cytogenetic location: 11q23.3.
Variant type: single nucleotide variant.
Coding change: c.2528A>G on transcript NM_005422.4 (MANE Select); coding-DNA position 2528, A replaced by G.
Protein change: p.Asn843Ser; replaces asparagine 843 with serine.
Molecular consequence: missense variant.
Genome position (GRCh38, 1-based): chr11:121,129,798, A>G. VCF-style: chr11-121129798-A-G. GRCh37 (hg19) VCF-style: chr11-121000507-A-G.
Other names: c.3485A>G, p.Asn1162Ser (NM_001378761.1); short protein forms N1162S, N843S.
Identifiers: ClinVar variation 1215675 (VCV001215675.5), dbSNP rs1432736397, ClinGen allele CA383016209.
Genomic context (GRCh38, chr11:121,129,798, plus strand): 5'-TGACTGTCCAGTACTCAGACATAGGTCTATTGTACATCCGGCTGTCCACCACATACTTCA[A>G]TTGCACAGGGGGCTTGTGCGGCTTCTACAATGCCAACGCCAGTGACGAGTTCTGTCTCCC-3'
Protein context (NP_005413.2, residues 833-853): LYIRLSTTYF[Asn843Ser]CTGGLCGFYN

ClinVar aggregate classification (germline): Uncertain significance. Review status: criteria provided, multiple submitters, no conflicts (2 of 4 stars). 3 submissions from 3 submitters: Uncertain significance (3). Last evaluated 2025-10-23.

Conditions:
TECTA-related disorder. Also called: TECTA-related condition.
Inborn genetic diseases. Identifiers: MedGen C0950123, MeSH D030342.

Allele frequency attached by ClinVar (database versions not stated): gnomAD exomes 0.00002 and below 0.00001; gnomAD 0.00001; TOPMed 0.00001.
gnomAD v4.1: 10 of 1,614,104 alleles (0.00062%); highest among the groups gnomAD compares: Admixed American, 0.0083%; no homozygotes.

Submissions (3):

PreventionGenetics, part of Exact Sciences
Classification: Uncertain significance for TECTA-related condition. Last evaluated: 2025-10-23. Review status: criteria provided, single submitter. Criteria: ACMG Guidelines, 2015. Collection method: clinical testing. Allele origin: germline.
Comment: The TECTA c.2528A>G variant is predicted to result in the amino acid substitution p.Asn843Ser. To our knowledge, this variant has not been reported in the literature. This variant is reported in 0.012% of alleles in individuals of Latino descent in gnomAD. At this time, the clinical significance of this variant is uncertain due to the absence of conclusive functional and genetic evidence.

Ambry Genetics
Classification: Uncertain significance for Inborn genetic diseases. Last evaluated: 2025-02-22. Review status: criteria provided, single submitter. Criteria: Ambry Variant Classification Scheme 2023. Collection method: clinical testing. Allele origin: germline.

GeneDx
Classification: Uncertain significance. Last evaluated: 2020-01-07. Review status: criteria provided, single submitter. Criteria: GeneDx Variant Classification Process June 2021. Collection method: clinical testing. Allele origin: germline. Affected: yes.
Comment: In silico analysis, which includes protein predictors and evolutionary conservation, supports that this variant does not alter protein structure/function; Has not been previously published as pathogenic or benign to our knowledge